The following is an entry in ClinVar:

ClinVar aggregate classification (germline): Benign. Review status: criteria provided, multiple submitters, no conflicts (2 of 4 stars). 6 submissions from 6 submitters: Benign (6). Last evaluated 2026-02-02.

Conditions:
Osteogenesis imperfecta type 8 (OI8). Identifiers: MedGen C1970458, MONDO:0012581, OMIM 610915.

Allele frequency attached by ClinVar (database versions not stated): 1000 Genomes Project 0.00479; 1000 Genomes Project 30x 0.00500; gnomAD 0.00526 and 0.00563; TOPMed 0.00625; ESP Exome Variant Server 0.00669.
gnomAD v4.1: 1,666 of 1,611,888 alleles (0.1%); highest among the groups gnomAD compares: African/African-American, 1.9%; 20 homozygotes.

Submissions (6):

Labcorp Genetics (formerly Invitae), Labcorp
Classification: Benign for Osteogenesis imperfecta type 8. Last evaluated: 2026-02-02. Review status: criteria provided, single submitter. Criteria: Invitae Variant Classification Sherloc (09022015). Collection method: clinical testing. Allele origin: germline.

ARUP Laboratories, Molecular Genetics and Genomics, ARUP Laboratories
Classification: Benign for Osteogenesis imperfecta type 8. Last evaluated: 2025-02-04. Review status: criteria provided, single submitter. Criteria: ARUP Molecular Germline Variant Investigation Process 2024. Collection method: clinical testing. Allele origin: germline.

Genome-Nilou Lab
Classification: Benign for Osteogenesis imperfecta type 8. Last evaluated: 2023-04-11. Review status: criteria provided, single submitter. Criteria: ACMG Guidelines, 2015. Collection method: clinical testing. Allele origin: germline. Affected: no.

Illumina Laboratory Services, Illumina
Classification: Benign for Osteogenesis imperfecta type 8. Last evaluated: 2018-01-12. Review status: criteria provided, single submitter. Criteria: ICSL Variant Classification Criteria 13 December 2019. Collection method: clinical testing. Allele origin: germline.
Comment: This variant was observed in the ICSL laboratory as part of a predisposition screen in an ostensibly healthy population. It had not been previously curated by ICSL or reported in the Human Gene Mutation Database (HGMD: prior to June 1st, 2018), and was therefore a candidate for classification through an automated scoring system. Utilizing variant allele frequency, disease prevalence and penetrance estimates, and inheritance mode, an automated score was calculated to assess if this variant is too frequent to cause the disease. Based on the score and internal cut-off values, a variant classified as benign is not then subjected to further curation. The score for this variant resulted in a classification of benign for this disease.

GeneDx
Classification: Benign. Last evaluated: 2016-08-03. Review status: criteria provided, single submitter. Criteria: GeneDx Variant Classification (06012015). Collection method: clinical testing. Allele origin: germline. Affected: yes.
Comment: This variant is considered likely benign or benign based on one or more of the following criteria: it is a conservative change, it occurs at a poorly conserved position in the protein, it is predicted to be benign by multiple in silico algorithms, and/or has population frequency not consistent with disease.

Breakthrough Genomics
Classification: Benign. Review status: criteria provided, single submitter. Criteria: ACMG Guidelines, 2015. Collection method: not provided. Allele origin: germline. Inheritance: Autosomal recessive inheritance. Affected: yes.

NM_022356.4(P3H1):c.1716C>T (p.Ile572=)

Gene: P3H1 (prolyl 3-hydroxylase 1; minus strand). Cytogenetic location: 1p34.2.
Variant type: single nucleotide variant.
Coding change: c.1716C>T on transcript NM_022356.4 (MANE Select); coding-DNA position 1716, C replaced by T.
Protein change: p.Ile572=; no amino-acid change (isoleucine 572 retained).
Molecular consequence: synonymous variant.
Genome position (GRCh38, 1-based): chr1:42,750,190, G>A on the plus strand (C>T on the coding strand, the complement: P3H1 is on the minus strand). VCF-style: chr1-42750190-G-A. GRCh37 (hg19) VCF-style: chr1-43215861-G-A.
Other names: c.1716C>T, p.Ile572= (NM_001146289.2, NM_001243246.2).
Identifiers: ClinVar variation 386781 (VCV000386781.25), dbSNP rs35500164, ClinGen allele CA801732.